The following is an entry in ClinVar:

NM_007118.4(TRIO):c.7541C>T (p.Pro2514Leu)

Gene: TRIO (trio Rho guanine nucleotide exchange factor; plus strand). Cytogenetic location: 5p15.2.
Variant type: single nucleotide variant.
Coding change: c.7541C>T on transcript NM_007118.4 (MANE Select); coding-DNA position 7541, C replaced by T.
Protein change: p.Pro2514Leu; replaces proline 2514 with leucine.
Molecular consequence: missense variant.
Genome position (GRCh38, 1-based): chr5:14,488,169, C>T. VCF-style: chr5-14488169-C-T. GRCh37 (hg19) VCF-style: chr5-14488278-C-T.
Other names: short protein forms P2514L.
Identifiers: ClinVar variation 4633587 (VCV004633587.1).
Genomic context (GRCh38, chr5:14,488,169, plus strand): 5'-CCAGCCGACCCGGCTCCTTCACCTTCCCGGGGGACAGCGACTCCCTCCAGCGGCAGACAC[C>T]CCGCCACGCGGCCCCTGGCAAGGATACTGACCGCATGAGCACGTGCTCCTCGGCCAGCGA-3'
Protein context (NP_009049.2, residues 2504-2524): GDSDSLQRQT[Pro2514Leu]RHAAPGKDTD

ClinVar aggregate classification (germline): Uncertain significance (1 of 4 stars; one submission).

Conditions:
Inborn genetic diseases. Identifiers: MedGen C0950123, MeSH D030342.

gnomAD v4.1: 6 of 1,603,600 alleles (0.00037%); highest among the groups gnomAD compares: East Asian, 0.0022%; no homozygotes.

Submission:

Ambry Genetics
Classification: Uncertain significance for Inborn genetic diseases. Last evaluated: 2025-10-02. Review status: criteria provided, single submitter. Criteria: Ambry Variant Classification Scheme 2023. Collection method: clinical testing. Allele origin: germline.
Comment: The c.7541C>T (p.P2514L) alteration is located in exon 48 (coding exon 48) of the TRIO gene. This alteration results from a C to T substitution at nucleotide position 7541, causing the proline (P) at amino acid position 2514 to be replaced by a leucine (L). Based on data from gnomAD, the T allele has an overall frequency of 0.001% (3/222032) total alleles studied. The highest observed frequency was 0.003% (3/97922) of European (non-Finnish) alleles. Based on insufficient or conflicting evidence, the clinical significance of this alteration remains unclear.